The following is an entry in ClinVar:

NM_006766.5(KAT6A):c.6004A>G (p.Met2002Val)

Gene: KAT6A (lysine acetyltransferase 6A; minus strand). Cytogenetic location: 8p11.21.
Variant type: single nucleotide variant.
Coding change: c.6004A>G on transcript NM_006766.5 (MANE Select); coding-DNA position 6004, A replaced by G.
Protein change: p.Met2002Val; replaces methionine 2002 with valine.
Molecular consequence: missense variant.
Genome position (GRCh38, 1-based): chr8:41,932,216, T>C on the plus strand (A>G on the coding strand, the complement: KAT6A is on the minus strand). VCF-style: chr8-41932216-T-C. GRCh37 (hg19) VCF-style: chr8-41789734-T-C.
Other names: c.6004A>G (NM_006766.4); short protein forms M2002V.
Identifiers: ClinVar variation 1991189 (VCV001991189.7), dbSNP rs777771800, ClinGen allele CA4729205.

ClinVar aggregate classification (germline): Likely benign. Review status: criteria provided, multiple submitters, no conflicts (2 of 4 stars). 3 submissions from 3 submitters: Likely benign (2). 1 of the submissions does not count toward it. Last evaluated 2025-12-26.

Conditions:
KAT6A-related disorder. Also called: KAT6A-related condition.
Inborn genetic diseases. Identifiers: MedGen C0950123, MeSH D030342.

Allele frequency attached by ClinVar (database versions not stated): TOPMed 0.00001; ExAC 0.00003; gnomAD exomes 0.00003; gnomAD 0.00004.
gnomAD v4.1: 45 of 1,585,136 alleles (0.0028%); highest among the groups gnomAD compares: Middle Eastern, 0.017%; 1 homozygote.

Submissions (3):

Labcorp Genetics (formerly Invitae), Labcorp
Classification: Likely benign. Last evaluated: 2025-12-26. Review status: criteria provided, single submitter. Criteria: Invitae Variant Classification Sherloc (09022015). Collection method: clinical testing. Allele origin: germline.

Ambry Genetics
Classification: Likely benign for Inborn genetic diseases. Last evaluated: 2022-10-27. Review status: criteria provided, single submitter. Criteria: Ambry Variant Classification Scheme 2023. Collection method: clinical testing. Allele origin: germline.

PreventionGenetics, part of Exact Sciences
Classification: Likely benign for KAT6A-related condition. Last evaluated: 2023-10-04. Review status: no assertion criteria provided. Collection method: clinical testing. Allele origin: germline. Not counted in ClinVar's aggregate classification.
Comment: This variant is classified as likely benign based on ACMG/AMP sequence variant interpretation guidelines (Richards et al. 2015 PMID: 25741868, with internal and published modifications).